The following is an entry in ClinVar:

NM_004655.4(AXIN2):c.1807_1808delinsAT (p.Ala603Ile)

Gene: AXIN2 (axin 2; minus strand). Cytogenetic location: 17q24.1.
Variant type: Indel.
Coding change: c.1807_1808delinsAT on transcript NM_004655.4 (MANE Select); coding-DNA positions 1807 to 1808, GC replaced by AT.
Protein change: p.Ala603Ile; replaces alanine 603 with isoleucine.
Molecular consequence: missense variant. On other transcripts: intron variant (1).
Genome position (GRCh38, 1-based): chr17:65,536,968-65,536,969, GC replaced by AT on the plus strand (GC replaced by AT on the coding strand, the reverse complement: AXIN2 is on the minus strand). VCF-style: chr17-65536968-GC-AT. GRCh37 (hg19) VCF-style: chr17-63533086-GC-AT.
Other names: c.1712+355_1712+356delinsAT (NM_001363813.1); short protein forms A603I.
Identifiers: ClinVar variation 2831824 (VCV002831824.3), dbSNP rs2509407763, ClinGen allele CA2739268330.
Genomic context (GRCh38, chr17:65,536,968, plus strand): 5'-ATCCACTGCCAGACATCCTGCGACCTGTCTCCTTCCTCCCGGGGAAGCTGCAGGGCCCCA[GC>AT]TCCGCCGGGGGCCCCTCCTTCCCTGGCGGGCAGGGCCAGGCCCGGCTCCGTGCCTTTCCC-3'
Protein context (NP_004646.3, residues 593-613): PAREGGAPGG[Ala603Ile]GALQLPREEG

ClinVar aggregate classification (germline): Uncertain significance (1 of 4 stars; one submission).

Conditions:
Oligodontia-cancer predisposition syndrome. Also called: TOOTH AGENESIS-COLORECTAL CANCER SYNDROME. Identifiers: Orphanet 300576, MedGen C1837750, MONDO:0012075, OMIM 608615. Disease mechanism: loss of function.

Submission:

Labcorp Genetics (formerly Invitae), Labcorp
Classification: Uncertain significance for Oligodontia-cancer predisposition syndrome. Last evaluated: 2023-07-26. Review status: criteria provided, single submitter. Criteria: Invitae Variant Classification Sherloc (09022015). Collection method: clinical testing. Allele origin: germline.
Comment: An algorithm developed to predict the effect of missense changes on protein structure and function (PolyPhen-2) suggests that this variant is likely to be tolerated. In summary, the available evidence is currently insufficient to determine the role of this variant in disease. Therefore, it has been classified as a Variant of Uncertain Significance. This variant has not been reported in the literature in individuals affected with AXIN2-related conditions. Information on the frequency of this variant in the gnomAD database is not available, as this variant may be reported differently in the database. This sequence change replaces alanine, which is neutral and non-polar, with isoleucine, which is neutral and non-polar, at codon 603 of the AXIN2 protein (p.Ala603Ile).